The following is an entry in ClinVar:

NM_000350.3(ABCA4):c.5197-2A>C

Gene: ABCA4 (ATP binding cassette subfamily A member 4; minus strand). Cytogenetic location: 1p22.1.
Variant type: single nucleotide variant.
Coding change: c.5197-2A>C on transcript NM_000350.3 (MANE Select); the canonical splice acceptor site of the intron before coding-DNA position 5197, A replaced by C.
Molecular consequence: splice acceptor variant.
Genome position (GRCh38, 1-based): chr1:94,015,856, T>G on the plus strand (A>C on the coding strand, the complement: ABCA4 is on the minus strand). VCF-style: chr1-94015856-T-G. GRCh37 (hg19) VCF-style: chr1-94481412-T-G.
Other names: c.4975-2A>C (NM_001425324.1).
Identifiers: ClinVar variation 3729028 (VCV003729028.2).

ClinVar aggregate classification (germline): Pathogenic (1 of 4 stars; one submission).

Submission:

Labcorp Genetics (formerly Invitae), Labcorp
Classification: Pathogenic. Last evaluated: 2025-03-26. Review status: criteria provided, single submitter. Criteria: Invitae Variant Classification Sherloc (09022015). Collection method: clinical testing. Allele origin: germline.
Comment: This sequence change affects an acceptor splice site in intron 36 of the ABCA4 gene. It is expected to disrupt RNA splicing. Variants that disrupt the donor or acceptor splice site typically lead to a loss of protein function (PMID: 16199547), and loss-of-function variants in ABCA4 are known to be pathogenic (PMID: 10958761, 24938718, 25312043, 26780318). This variant is not present in population databases (gnomAD no frequency). Disruption of this splice site has been observed in individual(s) with an inherited retinal disorder and/or Stargardt Disease (PMID: 26780318, 36460718). Algorithms developed to predict the effect of sequence changes on RNA splicing suggest that this variant may disrupt the consensus splice site. For these reasons, this variant has been classified as Pathogenic.

Literature cited by the submitters: PubMed 16199547; PubMed 10958761; PubMed 24938718; PubMed 25312043; PubMed 26780318; PubMed 36460718.